The following is an entry in ClinVar:

NM_002500.5(NEUROD1):c.257C>T (p.Pro86Leu)

Gene: NEUROD1 (neuronal differentiation 1; minus strand). Cytogenetic location: 2q31.3.
Variant type: single nucleotide variant.
Coding change: c.257C>T on transcript NM_002500.5 (MANE Select); coding-DNA position 257, C replaced by T.
Protein change: p.Pro86Leu; replaces proline 86 with leucine.
Molecular consequence: missense variant.
Genome position (GRCh38, 1-based): chr2:181,678,604, G>A on the plus strand (C>T on the coding strand, the complement: NEUROD1 is on the minus strand). VCF-style: chr2-181678604-G-A. GRCh37 (hg19) VCF-style: chr2-182543331-G-A.
Other names: short protein forms P86L.
Identifiers: ClinVar variation 1959274 (VCV001959274.5), dbSNP rs147793698, ClinGen allele CA2011158.

ClinVar aggregate classification (germline): Uncertain significance (1 of 4 stars; one submission).

Allele frequency attached by ClinVar (database versions not stated): gnomAD exomes 0.00001; ExAC 0.00003; gnomAD 0.00003; TOPMed 0.00004; ESP Exome Variant Server 0.00015.
gnomAD v4.1: 10 of 1,613,934 alleles (0.00062%); highest among the groups gnomAD compares: African/African-American, 0.012%; no homozygotes.

Submission:

Labcorp Genetics (formerly Invitae), Labcorp
Classification: Uncertain significance. Last evaluated: 2022-06-04. Review status: criteria provided, single submitter. Criteria: Invitae Variant Classification Sherloc (09022015). Collection method: clinical testing. Allele origin: germline.
Comment: This variant is present in population databases (rs147793698, gnomAD 0.02%). This variant has not been reported in the literature in individuals affected with NEUROD1-related conditions. Algorithms developed to predict the effect of missense changes on protein structure and function (SIFT, PolyPhen-2, Align-GVGD) all suggest that this variant is likely to be disruptive. In summary, the available evidence is currently insufficient to determine the role of this variant in disease. Therefore, it has been classified as a Variant of Uncertain Significance. This sequence change replaces proline, which is neutral and non-polar, with leucine, which is neutral and non-polar, at codon 86 of the NEUROD1 protein (p.Pro86Leu).